The following is an entry in ClinVar:

NM_005629.4(SLC6A8):c.425_426delinsAA (p.Phe142Ter)

Gene: SLC6A8 (solute carrier family 6 member 8; plus strand). Cytogenetic location: Xq28.
Variant type: Indel.
Coding change: c.425_426delinsAA on transcript NM_005629.4 (MANE Select); coding-DNA positions 425 to 426, TC replaced by AA.
Protein change: p.Phe142Ter; replaces phenylalanine 142 with a stop codon.
Molecular consequence: nonsense.
Genome position (GRCh38, 1-based): chrX:153,691,334-153,691,335, TC replaced by AA. VCF-style: chrX-153691334-TC-AA. GRCh37 (hg19) VCF-style: chrX-152956789-TC-AA.
Other names: c.425_426delinsAA, p.Phe142Ter (NM_001142805.2); c.80_81delinsAA, p.Phe27Ter (NM_001142806.1); short protein forms F142*, F27*.
Identifiers: ClinVar variation 4532165 (VCV004532165.1).

ClinVar aggregate classification (germline): Pathogenic (1 of 4 stars; one submission).

Conditions:
Creatine transporter deficiency (CCDS1). Also called: Mental retardation , X-linked with seizures, short stature and midface hypoplasia; Mental retardation , X-linked, with creatine transport deficiency; X-linked creatine transporter deficiency; X-linked creatine deficiency syndrome; SLC6A8-Related Creatine Transporter Deficiency; CREATINE TRANSPORTER DEFECT. Identifiers: Orphanet 52503, MedGen C1845862, MONDO:0010305, OMIM 300352.

Submission:

Victorian Clinical Genetics Services, Murdoch Childrens Research Institute
Classification: Pathogenic for Creatine transporter deficiency. Last evaluated: 2025-07-16. Review status: criteria provided, single submitter. Criteria: ACMG Guidelines, 2015. Collection method: clinical testing. Allele origin: germline. Affected: no.
Comment: This variant is classified as Pathogenic. Evidence in support of pathogenic classification: Variant is predicted to cause nonsense-mediated decay (NMD) and loss of protein (premature termination codon is located at least 54 nucleotides upstream of the final exon-exon junction); Variant is absent from gnomAD (v2, v3 and v4); Other NMD-predicted variant(s) comparable to the one identified in this case have very strong previous evidence for pathogenicity (DECIPHER). Additional information: This variant is heterozygous; This gene is associated with X-linked disease. Heterozygous females are typically either asymptomatic or have mild intellectual disability (PMID: 11898126, 11326334, 20301745). No correlation has been found between skewed X-chromosome inactivation in favour of the pathogenic variant and severity of clinical phenotype (PMID: 20301745); This variant has no previous evidence of pathogenicity; No published evidence of segregation with disease has been identified for this variant; No published functional evidence has been identified for this variant; Loss of function is a known mechanism of disease in this gene and is associated with cerebral creatine deficiency syndrome 1 (MIM#300352).

Literature cited by the submitters: PubMed 11326334; PubMed 11898126; PubMed 20301745; PubMed 35588794.